The following is an entry in ClinVar:

ClinVar aggregate classification (germline): Uncertain significance. Review status: criteria provided, multiple submitters, no conflicts (2 of 4 stars). 6 submissions from 4 submitters: Uncertain significance (6). Last evaluated 2025-10-13.

Conditions:
Nephronophthisis 1 (NPHP1). Also called: Nephronophthisis familial juvenile. Identifiers: Orphanet 655, Orphanet 93592, MedGen C1855681, MONDO:0009728, OMIM 256100.
Senior-Loken syndrome 1 (SLSN1). Also called: JUVENILE NEPHRONOPHTHISIS WITH LEBER AMAUROSIS. Identifiers: Orphanet 3156, MedGen C4551559, MONDO:0009962, OMIM 266900.
Joubert syndrome with renal defect. Also called: JOUBERT SYNDROME 4. Identifiers: Orphanet 220497, MedGen C1846790, MONDO:0012308, OMIM 609583.
Nephronophthisis. Also called: Juvenile Nephronophthisis. Identifiers: Orphanet 655, MedGen C0687120, MONDO:0019005, HP:0000090.
NPHP1-related disorder. Also called: NPHP1-related disorders; NPHP1-related condition.

Allele frequency attached by ClinVar (database versions not stated): gnomAD 0.00001 and 0.00005; TOPMed 0.00002; ExAC 0.00004; 1000 Genomes Project 30x 0.00031; 1000 Genomes Project 0.00040.
gnomAD v4.1: 101 of 1,613,388 alleles (0.0063%); highest among the groups gnomAD compares: East Asian, 0.22%; no homozygotes.

Submissions (6):

Labcorp Genetics (formerly Invitae), Labcorp
Classification: Uncertain significance for Nephronophthisis. Last evaluated: 2025-10-13. Review status: criteria provided, single submitter. Criteria: Invitae Variant Classification Sherloc (09022015). Collection method: clinical testing. Allele origin: germline.
Comment: This sequence change replaces proline, which is neutral and non-polar, with threonine, which is neutral and polar, at codon 621 of the NPHP1 protein (p.Pro621Thr). This variant is present in population databases (rs147090619, gnomAD 0.05%). This variant has not been reported in the literature in individuals affected with NPHP1-related conditions. ClinVar contains an entry for this variant (Variation ID: 894221). Invitae Evidence Modeling of protein sequence and biophysical properties (such as structural, functional, and spatial information, amino acid conservation, physicochemical variation, residue mobility, and thermodynamic stability) indicates that this missense variant is not expected to disrupt NPHP1 protein function with a negative predictive value of 80%. In summary, the available evidence is currently insufficient to determine the role of this variant in disease. Therefore, it has been classified as a Variant of Uncertain Significance.

PreventionGenetics, part of Exact Sciences
Classification: Uncertain significance for NPHP1-related condition. Last evaluated: 2025-06-21. Review status: criteria provided, single submitter. Criteria: ACMG Guidelines, 2015. Collection method: clinical testing. Allele origin: germline.
Comment: The NPHP1 c.1861C>A variant is predicted to result in the amino acid substitution p.Pro621Thr. To our knowledge, this variant has not been reported in the literature. This variant is reported in 0.044% of alleles in individuals of East Asian descent in gnomAD. At this time, the clinical significance of this variant is uncertain due to the absence of conclusive functional and genetic evidence.

Fulgent Genetics
Classification: Uncertain significance for Nephronophthisis 1; Senior-Loken syndrome 1; Joubert syndrome with renal defect. Last evaluated: 2024-06-18. Review status: criteria provided, single submitter. Criteria: ACMG Guidelines, 2015. Collection method: clinical testing. Allele origin: germline.

Illumina Laboratory Services, Illumina
Classification: Uncertain significance for Nephronophthisis 1. Last evaluated: 2018-01-12. Review status: criteria provided, single submitter. Criteria: ICSL Variant Classification Criteria 13 December 2019. Collection method: clinical testing. Allele origin: germline.

Illumina Laboratory Services, Illumina
Classification: Uncertain significance for Senior-Loken syndrome 1. Last evaluated: 2018-01-12. Review status: criteria provided, single submitter. Criteria: ICSL Variant Classification Criteria 13 December 2019. Collection method: clinical testing. Allele origin: germline.

Illumina Laboratory Services, Illumina
Classification: Uncertain significance for Joubert syndrome with renal defect. Last evaluated: 2018-01-12. Review status: criteria provided, single submitter. Criteria: ICSL Variant Classification Criteria 13 December 2019. Collection method: clinical testing. Allele origin: germline.

NM_001128178.3(NPHP1):c.1693C>A (p.Pro565Thr)

Gene: NPHP1 (nephrocystin 1; minus strand). Cytogenetic location: 2q13.
Variant type: single nucleotide variant.
Coding change: c.1693C>A on transcript NM_001128178.3 (MANE Select); coding-DNA position 1693, C replaced by A.
Protein change: p.Pro565Thr; replaces proline 565 with threonine.
Molecular consequence: missense variant.
Genome position (GRCh38, 1-based): chr2:110,129,209, G>T on the plus strand (C>A on the coding strand, the complement: NPHP1 is on the minus strand). VCF-style: chr2-110129209-G-T. GRCh37 (hg19) VCF-style: chr2-110886786-G-T.
Other names: c.1861C>A, p.Pro621Thr (NM_000272.5); c.1504C>A, p.Pro502Thr (NM_001128179.3); c.1690C>A, p.Pro564Thr (NM_001374256.1); c.1693C>A, p.Pro565Thr (NM_001374257.1); c.1858C>A, p.Pro620Thr (NM_207181.4); c.1861C>A (NM_000272.4); short protein forms P564T, P620T, P621T, P502T, P565T.
Identifiers: ClinVar variation 894221 (VCV000894221.8), dbSNP rs147090619, ClinGen allele CA1826929.
Genomic context (GRCh38, chr2:110,129,209, plus strand): 5'-AAGCCAGCAGGTTTCCATTGCAATGCATGCTACCCACCCTGAGAGCATCCATCACATCAG[G>T]CTGCTCCAAGAGCATGGGGAAGGTGGCCAGCATGGGATGGCTAATTAAATCTGAAATGCA-3'
Protein context (NP_001121650.1, residues 555-575): LATFPMLLEQ[Pro565Thr]DVMDALRSSW